The following is an entry in ClinVar:

NM_001035.3(RYR2):c.14152-116T>A

Gene: RYR2 (ryanodine receptor 2; plus strand). Cytogenetic location: 1q43.
Variant type: single nucleotide variant.
Coding change: c.14152-116T>A on transcript NM_001035.3 (MANE Select); 116 bases into the intron before coding-DNA position 14152, T replaced by A.
Molecular consequence: intron variant.
Genome position (GRCh38, 1-based): chr1:237,806,021, T>A. VCF-style: chr1-237806021-T-A. GRCh37 (hg19) VCF-style: chr1-237969321-T-A.
Identifiers: ClinVar variation 675974 (VCV000675974.1), dbSNP rs116646937, ClinGen allele CA39842590.

ClinVar aggregate classification (germline): Likely benign (1 of 4 stars; one submission).

Allele frequency attached by ClinVar (database versions not stated): gnomAD exomes 0.00039; gnomAD 0.00368 and 0.00396; TOPMed 0.00390; 1000 Genomes Project 0.00459; 1000 Genomes Project 30x 0.00468.
gnomAD v4.1: 830 of 825,694 alleles (0.1%); highest among the groups gnomAD compares: African/African-American, 1.3%; 6 homozygotes.

Submission:

GeneDx
Classification: Likely benign. Last evaluated: 2018-06-18. Review status: criteria provided, single submitter. Criteria: GeneDx Variant Classification (06012015). Collection method: clinical testing. Allele origin: germline. Affected: yes.
Comment: This variant is considered likely benign or benign based on one or more of the following criteria: it is a conservative change, it occurs at a poorly conserved position in the protein, it is predicted to be benign by multiple in silico algorithms, and/or has population frequency not consistent with disease.